The following is an entry in ClinVar:

NM_001844.5(COL2A1):c.644del (p.Ala215fs)

Gene: COL2A1 (collagen type II alpha 1 chain; minus strand). Cytogenetic location: 12q13.11.
Variant type: Deletion.
Coding change: c.644del on transcript NM_001844.5 (MANE Select); coding-DNA position 644, one base deleted (C; older notation c.644delC).
Protein change: p.Ala215fs; shifts the reading frame from alanine 215.
Molecular consequence: frameshift variant.
Genome position (GRCh38, 1-based): chr12:47,995,885, G deleted on the plus strand (C on the coding strand, the reverse complement: COL2A1 is on the minus strand). VCF-style (leftmost placement, unchanged base first): chr12-47995884-TG-T. GRCh37 (hg19) VCF-style: chr12-48389667-TG-T.
Other names: c.437del, p.Ala146fs (NM_033150.3); short protein forms A146fs, A215fs.
Identifiers: ClinVar variation 5001808 (VCV005001808.1).

ClinVar aggregate classification (germline): Likely pathogenic (1 of 4 stars; one submission).

Conditions:
COL2A1-related disorder. Also called: COL2A1-related condition; COL2A1-related disorders.

Submission:

PreventionGenetics, part of Exact Sciences
Classification: Likely pathogenic for COL2A1-related condition. Last evaluated: 2026-04-17. Review status: criteria provided, single submitter. Criteria: ACMG Guidelines, 2015. Collection method: clinical testing. Allele origin: germline.
Comment: The COL2A1 c.644delC variant is predicted to result in a frameshift and premature protein termination (p.Ala215Glufs*93). To our knowledge, this variant has not been reported in the literature or in a large population database (gnomAD), indicating this variant is rare. Frameshift variants in COL2A1 are expected to be pathogenic. This variant is interpreted as likely pathogenic.